The following is an entry in ClinVar:

NM_002474.3(MYH11):c.2757G>A (p.Glu919=)

Gene: MYH11 (myosin heavy chain 11; minus strand). Cytogenetic location: 16p13.11.
Variant type: single nucleotide variant.
Coding change: c.2757G>A on transcript NM_002474.3 (MANE Select); coding-DNA position 2757, G replaced by A.
Protein change: p.Glu919=; no amino-acid change (glutamic acid 919 retained).
Molecular consequence: synonymous variant.
Genome position (GRCh38, 1-based): chr16:15,741,565, C>T on the plus strand (G>A on the coding strand, the complement: MYH11 is on the minus strand). VCF-style: chr16-15741565-C-T. GRCh37 (hg19) VCF-style: chr16-15835422-C-T.
Other names: c.2778G>A, p.Glu926= (NM_001040113.2, NM_001040114.2); c.2757G>A, p.Glu919= (NM_022844.3).
Identifiers: ClinVar variation 508990 (VCV000508990.11), dbSNP rs1383964552, ClinGen allele CA493790542.

ClinVar aggregate classification (germline): Likely benign. Review status: criteria provided, multiple submitters, no conflicts (2 of 4 stars). 6 submissions from 6 submitters: Likely benign (6). Last evaluated 2026-05-23.

Conditions:
Aortic aneurysm, familial thoracic 4 (AAT4). Also called: AORTIC ANEURYSM/AORTIC DISSECTION AND PATENT DUCTUS ARTERIOSUS. Identifiers: MedGen C1851504, MONDO:0007568, OMIM 132900.
Familial thoracic aortic aneurysm and aortic dissection (TAAD). Also called: Thoracic aortic aneurysms and dissections. Identifiers: Orphanet 91387, MedGen C4707243, MONDO:0019625.

Allele frequency attached by ClinVar (database versions not stated): gnomAD 0.00001; gnomAD exomes below 0.00001.

Submissions (6):

Ambry Genetics
Classification: Likely benign for Familial thoracic aortic aneurysm and aortic dissection. Last evaluated: 2026-05-23. Review status: criteria provided, single submitter. Criteria: Ambry Variant Classification Scheme 2023. Collection method: clinical testing. Allele origin: germline.

Labcorp Genetics (formerly Invitae), Labcorp
Classification: Likely benign for Aortic aneurysm, familial thoracic 4. Last evaluated: 2024-05-15. Review status: criteria provided, single submitter. Criteria: Invitae Variant Classification Sherloc (09022015). Collection method: clinical testing. Allele origin: germline.

ARUP Laboratories, Molecular Genetics and Genomics, ARUP Laboratories
Classification: Likely benign. Last evaluated: 2024-02-12. Review status: criteria provided, single submitter. Criteria: ARUP Molecular Germline Variant Investigation Process 2024. Collection method: clinical testing. Allele origin: germline.

All of Us Research Program, National Institutes of Health
Classification: Likely benign for Familial thoracic aortic aneurysm and aortic dissection. Last evaluated: 2023-12-01. Review status: criteria provided, single submitter. Criteria: ACMG Guidelines, 2015. Collection method: clinical testing. Allele origin: germline. Inheritance: Autosomal dominant inheritance. Observed: 2 variant alleles, 2 heterozygotes.
Comment: This study involves interpretation of variants in research participants for the purpose of population health screening. Participant phenotype was not available at the time of variant classification. Additional details can be found in publication PMID: 35346344, PMCID: PMC8962531

GeneDx
Classification: Likely benign. Last evaluated: 2020-09-10. Review status: criteria provided, single submitter. Criteria: GeneDx Variant Classification Process June 2021. Collection method: clinical testing. Allele origin: germline. Affected: yes.

Color Diagnostics, LLC DBA Color Health
Classification: Likely benign for Familial thoracic aortic aneurysm and aortic dissection. Last evaluated: 2019-11-20. Review status: criteria provided, single submitter. Criteria: ACMG Guidelines, 2015. Collection method: clinical testing. Allele origin: germline.